The following is an entry in ClinVar:

NM_017636.4(TRPM4):c.1802G>T (p.Arg601Leu)

Gene: TRPM4 (transient receptor potential cation channel subfamily M member 4; plus strand). Cytogenetic location: 19q13.33.
Variant type: single nucleotide variant.
Coding change: c.1802G>T on transcript NM_017636.4 (MANE Select); coding-DNA position 1802, G replaced by T.
Protein change: p.Arg601Leu; replaces arginine 601 with leucine.
Molecular consequence: missense variant.
Genome position (GRCh38, 1-based): chr19:49,188,699, G>T. VCF-style: chr19-49188699-G-T. GRCh37 (hg19) VCF-style: chr19-49691956-G-T.
Other names: c.1802G>T, p.Arg601Leu (NM_001195227.2); c.1457G>T, p.Arg486Leu (NM_001321281.2); c.194G>T, p.Arg65Leu (NM_001321282.2); c.1280G>T, p.Arg427Leu (NM_001321283.2); c.740G>T, p.Arg247Leu (NM_001321285.2); short protein forms R247L, R427L, R486L, R601L, R65L.
Identifiers: ClinVar variation 1211580 (VCV001211580.13), dbSNP rs1406492047, ClinGen allele CA406802943.

ClinVar aggregate classification (germline): Uncertain significance. Review status: criteria provided, multiple submitters, no conflicts (2 of 4 stars). 3 submissions from 3 submitters: Uncertain significance (3). Last evaluated 2025-08-30.

Conditions:
Progressive familial heart block type IB (PFHB1B). Identifiers: Orphanet 871, MedGen C1970298, MONDO:0011474, OMIM 604559.
Cardiovascular phenotype. Identifiers: MedGen CN230736.

Allele frequency attached by ClinVar (database versions not stated): gnomAD exomes below 0.00001.
gnomAD v4.1: 5 of 1,614,154 alleles (0.00031%); highest among the groups gnomAD compares: Admixed American, 0.0017%; no homozygotes.

Submissions (3):

Ambry Genetics
Classification: Uncertain significance for Cardiovascular phenotype. Last evaluated: 2025-08-30. Review status: criteria provided, single submitter. Criteria: Ambry Variant Classification Scheme 2023. Collection method: clinical testing. Allele origin: germline.
Comment: The p.R601L variant (also known as c.1802G>T), located in coding exon 13 of the TRPM4 gene, results from a G to T substitution at nucleotide position 1802. The arginine at codon 601 is replaced by leucine, an amino acid with dissimilar properties. This amino acid position is conserved. In addition, this alteration is predicted to be tolerated by in silico analysis. Based on the available evidence, the clinical significance of this variant remains unclear.

Labcorp Genetics (formerly Invitae), Labcorp
Classification: Uncertain significance for Progressive familial heart block type IB. Last evaluated: 2024-02-01. Review status: criteria provided, single submitter. Criteria: Invitae Variant Classification Sherloc (09022015). Collection method: clinical testing. Allele origin: germline.
Comment: This sequence change replaces arginine, which is basic and polar, with leucine, which is neutral and non-polar, at codon 601 of the TRPM4 protein (p.Arg601Leu). This variant is present in population databases (no rsID available, gnomAD 0.003%). This variant has not been reported in the literature in individuals affected with TRPM4-related conditions. ClinVar contains an entry for this variant (Variation ID: 1211580). An algorithm developed to predict the effect of missense changes on protein structure and function (PolyPhen-2) suggests that this variant is likely to be disruptive. In summary, the available evidence is currently insufficient to determine the role of this variant in disease. Therefore, it has been classified as a Variant of Uncertain Significance.

GeneDx
Classification: Uncertain significance. Last evaluated: 2021-05-17. Review status: criteria provided, single submitter. Criteria: GeneDx Variant Classification Process June 2021. Collection method: clinical testing. Allele origin: germline. Affected: yes.
Comment: Has not been previously published as pathogenic or benign to our knowledge; Not observed at a significant frequency in large population cohorts (Lek et al., 2016); In silico analysis supports that this missense variant has a deleterious effect on protein structure/function